The following is an entry in ClinVar:

NM_000384.3(APOB):c.2864C>T (p.Pro955Leu)

Gene: APOB (apolipoprotein B; minus strand). Cytogenetic location: 2p24.1.
Variant type: single nucleotide variant.
Coding change: c.2864C>T on transcript NM_000384.3 (MANE Select); coding-DNA position 2864, C replaced by T.
Protein change: p.Pro955Leu; replaces proline 955 with leucine.
Molecular consequence: missense variant.
Genome position (GRCh38, 1-based): chr2:21,019,858, G>A on the plus strand (C>T on the coding strand, the complement: APOB is on the minus strand). VCF-style: chr2-21019858-G-A. GRCh37 (hg19) VCF-style: chr2-21242730-G-A.
Other names: p.Pro955Leu; short protein forms P955L.
Identifiers: ClinVar variation 918926 (VCV000918926.16), dbSNP rs763052786, ClinGen allele CA057436.

ClinVar aggregate classification (germline): Conflicting classifications of pathogenicity. Review status: criteria provided, conflicting classifications (1 of 4 stars). 4 submissions from 4 submitters: Uncertain significance (3); Likely benign (1). Last evaluated 2025-10-27.

Conditions:
Cardiovascular phenotype. Identifiers: MedGen CN230736.
Familial hypobetalipoproteinemia 1. Also called: Hypobetalipoproteinemia, normotriglyceridemic; Acanthocytosis with hypobetalipoproteinemia; APOB-Related Familial Hypobetalipoproteinemia. Identifiers: MedGen C4551990, MONDO:0014252, OMIM 615558.
Hypercholesterolemia, autosomal dominant, type B (FHCL2). Also called: Familial Hypercholesterolemia Type B; HYPERCHOLESTEROLEMIA, FAMILIAL, DUE TO LIGAND-DEFECTIVE APOLIPOPROTEIN B; Familial hypercholesterolemia 2; APOB-Related Familial Hypercholesterolemia, Autosomal Dominant; APOLIPOPROTEIN B-100, FAMILIAL DEFECTIVE; APOLIPOPROTEIN B-100, FAMILIAL LIGAND-DEFECTIVE. Identifiers: MedGen C1704417, MONDO:0007751, OMIM 144010.

Allele frequency attached by ClinVar (database versions not stated): gnomAD exomes 0.00001; ExAC 0.00001; gnomAD 0.00001.
gnomAD v4.1: 7 of 1,614,030 alleles (0.00043%); highest among the groups gnomAD compares: Non-Finnish European, 0.00059%; no homozygotes.

Submissions (4):

Ambry Genetics
Classification: Uncertain significance for Cardiovascular phenotype. Last evaluated: 2025-10-27. Review status: criteria provided, single submitter. Criteria: Ambry Variant Classification Scheme 2023. Collection method: clinical testing. Allele origin: germline.
Comment: The p.P955L variant (also known as c.2864C>T), located in coding exon 19 of the APOB gene, results from a C to T substitution at nucleotide position 2864. The proline at codon 955 is replaced by leucine, an amino acid with similar properties. This amino acid position is conserved. In addition, this alteration is predicted to be tolerated by in silico analysis. Since supporting evidence is limited at this time, the clinical significance of this alteration remains unclear.

Labcorp Genetics (formerly Invitae), Labcorp
Classification: Likely benign for Familial hypobetalipoproteinemia 1; Hypercholesterolemia, autosomal dominant, type B. Last evaluated: 2025-07-02. Review status: criteria provided, single submitter. Criteria: Invitae Variant Classification Sherloc (09022015). Collection method: clinical testing. Allele origin: germline.

Fulgent Genetics
Classification: Uncertain significance for Hypercholesterolemia, autosomal dominant, type B; Familial hypobetalipoproteinemia 1. Last evaluated: 2021-08-13. Review status: criteria provided, single submitter. Criteria: ACMG Guidelines, 2015. Collection method: clinical testing. Allele origin: unknown.

Mayo Clinic Laboratories, Mayo Clinic
Classification: Uncertain significance. Last evaluated: 2021-05-20. Review status: criteria provided, single submitter. Criteria: ACMG Guidelines, 2015. Collection method: clinical testing. Allele origin: germline.